The following is an entry in ClinVar:

NM_000094.4(COL7A1):c.7558-1G>A

Gene: COL7A1 (collagen type VII alpha 1 chain; minus strand). Cytogenetic location: 3p21.31.
Variant type: single nucleotide variant.
Coding change: c.7558-1G>A on transcript NM_000094.4 (MANE Select); the canonical splice acceptor site of the intron before coding-DNA position 7558, G replaced by A.
Molecular consequence: splice acceptor variant.
Genome position (GRCh38, 1-based): chr3:48,569,649, C>T on the plus strand (G>A on the coding strand, the complement: COL7A1 is on the minus strand). VCF-style: chr3-48569649-C-T. GRCh37 (hg19) VCF-style: chr3-48607082-C-T.
Identifiers: ClinVar variation 1324148 (VCV001324148.5), dbSNP rs2107642565, ClinGen allele CA352644600.

ClinVar aggregate classification (germline): Likely pathogenic. Review status: criteria provided, multiple submitters, no conflicts (2 of 4 stars). 2 submissions from 2 submitters: Likely pathogenic (2). Last evaluated 2023-10-09.

Conditions:
Generalized dominant dystrophic epidermolysis bullosa (DDEB). Also called: Dominant DEB (DDEB); DDEB, generalized; DDEB-gen; DYSTROPHIC EPIDERMOLYSIS BULLOSA, AUTOSOMAL DOMINANT; Epidermolysis bullosa dystrophica, autosomal dominant. Identifiers: Orphanet 231568, MedGen C0432322, MONDO:0007549, OMIM 131750.

Submissions (2):

Institute for Genomic Medicine (IGM) Clinical Laboratory, Nationwide Children's Hospital
Classification: Likely pathogenic for Generalized dominant dystrophic epidermolysis bullosa. Last evaluated: 2023-10-09. Review status: criteria provided, single submitter. Criteria: ACMG Guidelines, 2015. Collection method: clinical testing. Allele origin: germline.
Comment: This variant is predicted to result in loss of function through nonsense-mediated decay of the encoded transcript or premature truncation of the encoded protein in a gene in which loss of function is a known mechanism of disease (ACMG/AMP: PVS1; PMIDs:10367729, 16971478). This variant is absent from or present at an exceedingly low frequency in gnomAD, a large-scale control population database (ACMG/AMP: PM2).

Revvity Omics, Revvity
Classification: Likely pathogenic. Last evaluated: 2021-04-02. Review status: criteria provided, single submitter. Criteria: ACMG Guidelines, 2015. Collection method: clinical testing. Allele origin: germline.

Literature cited by the submitters: PubMed 10367729 (cited by Institute for Genomic Medicine (IGM) Clinical Laboratory, Nationwide Children's Hospital); PubMed 16971478 (cited by Institute for Genomic Medicine (IGM) Clinical Laboratory, Nationwide Children's Hospital).